The following is an entry in ClinVar:

ClinVar aggregate classification (germline): Likely pathogenic (1 of 4 stars; one submission).

Conditions:
Telangiectasia, hereditary hemorrhagic, type 2 (HHT2). Also called: ACVRL1-Related Hereditary Hemorrhagic Telangiectasia; Telangiectasia, hereditary hemorrhagic, type II. Identifiers: Orphanet 774, MedGen C1838163, MONDO:0010880, OMIM 600376. Disease mechanism: loss of function.

Submission:

ARUP Laboratories, Molecular Genetics and Genomics, ARUP Laboratories
Classification: Likely pathogenic for Telangiectasia, hereditary hemorrhagic, type 2. Last evaluated: 2025-04-21. Review status: criteria provided, single submitter. Criteria: ARUP Molecular Germline Variant Investigation Process 2024. Collection method: clinical testing. Allele origin: germline.
Comment: The ACVRL1 c.719del; p.Phe240SerfsTer18 variant, to our knowledge, is not reported in the medical literature or gene specific databases. This variant is also absent from the Genome Aggregation Database (v2.1.1), indicating it is not a common polymorphism. This variant causes a frameshift by deleting a single nucleotide, so it is predicted to result in a truncated protein or mRNA subject to nonsense-mediated decay. Based on available information, this variant is considered to be likely pathogenic.

NM_000020.3(ACVRL1):c.719del (p.Phe240fs)

Gene: ACVRL1 (activin A receptor like type 1; plus strand). Cytogenetic location: 12q13.13.
Variant type: Deletion.
Coding change: c.719del on transcript NM_000020.3 (MANE Select); coding-DNA position 719, one base deleted (T; older notation c.719delT).
Protein change: p.Phe240fs; shifts the reading frame from phenylalanine 240.
Molecular consequence: frameshift variant.
Genome position (GRCh38, 1-based): chr12:51,914,532, T deleted; the last of 2 consecutive T bases (chr12:51,914,531-51,914,532); deleting either gives the same sequence. VCF-style (leftmost placement, unchanged base first): chr12-51914530-GT-G. GRCh37 (hg19) VCF-style: chr12-52308314-GT-G.
Other names: c.719del, p.Phe240fs (NM_001077401.2, NM_001406487.1, NM_001406488.1 and 1 more transcripts); c.407del, p.Phe136fs (NM_001406490.1, NM_001406491.1, NM_001406492.1 and 2 more transcripts); c.155del, p.Phe52fs (NM_001406495.1); short protein forms F136fs, F240fs, F52fs.
Identifiers: ClinVar variation 4685773 (VCV004685773.1).
Genomic context (GRCh38, chr12:51,914,530, plus strand): 5'-CTTGTGGCACGGTGAGAGTGTGGCCGTCAAGATCTTCTCCTCGAGGGATGAACAGTCCTG[GT>G]TCCGGGAGACTGAGATCTATAACACAGTGTTGCTCAGACACGACAACATCCTAGGCAAGG-3'